The following is an entry in ClinVar:

ClinVar aggregate classification (germline): Uncertain significance. Review status: criteria provided, multiple submitters, no conflicts (2 of 4 stars). 4 submissions from 4 submitters: Uncertain significance (4). Last evaluated 2025-11-10.

Conditions:
POLE-related disorder. Also called: POLE-related disorders; POLE-related condition.
Hereditary cancer-predisposing syndrome. Also called: Hereditary neoplastic syndrome; Neoplastic Syndromes, Hereditary; Hereditary Cancer Syndrome; Tumor predisposition. Identifiers: Orphanet 140162, MedGen C0027672, MeSH D009386, MONDO:0015356.

gnomAD v4.1: 1 of 1,610,412 alleles (0.000062%); no homozygotes.

Submissions (4):

Ambry Genetics
Classification: Uncertain significance for Hereditary cancer-predisposing syndrome. Last evaluated: 2025-11-10. Review status: criteria provided, single submitter. Criteria: Ambry Variant Classification Scheme 2023. Collection method: clinical testing. Allele origin: germline.
Comment: The p.P331S variant (also known as c.991C>T), located in coding exon 10 of the POLE gene, results from a C to T substitution at nucleotide position 991. The proline at codon 331 is replaced by serine, an amino acid with similar properties. This amino acid position is highly conserved in available vertebrate species. In addition, this alteration is predicted to be tolerated by in silico analysis. Since supporting evidence is limited at this time, the clinical significance of this alteration remains unclear.

Labcorp Genetics (formerly Invitae), Labcorp
Classification: Uncertain significance. Last evaluated: 2025-08-25. Review status: criteria provided, single submitter. Criteria: Invitae Variant Classification Sherloc (09022015). Collection method: clinical testing. Allele origin: germline.
Comment: This sequence change replaces proline, which is neutral and non-polar, with serine, which is neutral and polar, at codon 331 of the POLE protein (p.Pro331Ser). This variant is present in population databases (no rsID available, gnomAD no frequency). This variant has not been reported in the literature in individuals affected with POLE-related conditions. ClinVar contains an entry for this variant (Variation ID: 966933). Invitae Evidence Modeling of protein sequence and biophysical properties (such as structural, functional, and spatial information, amino acid conservation, physicochemical variation, residue mobility, and thermodynamic stability) indicates that this missense variant is not expected to disrupt POLE protein function with a negative predictive value of 80%. In summary, the available evidence is currently insufficient to determine the role of this variant in disease. Therefore, it has been classified as a Variant of Uncertain Significance.

PreventionGenetics, part of Exact Sciences
Classification: Uncertain significance for POLE-related condition. Last evaluated: 2023-07-13. Review status: criteria provided, single submitter. Criteria: ACMG Guidelines, 2015. Collection method: clinical testing. Allele origin: germline.
Comment: The POLE c.991C>T variant is predicted to result in the amino acid substitution p.Pro331Ser. To our knowledge, this variant has not been reported in the literature. This variant is reported in one allele from the "other" continental population in gnomAD. It is interpreted as uncertain significance in ClinVar. At this time, the clinical significance of this variant is uncertain due to the absence of conclusive functional and genetic evidence.

GeneDx
Classification: Uncertain significance. Last evaluated: 2019-08-12. Review status: criteria provided, single submitter. Criteria: GeneDx Variant Classification Process June 2021. Collection method: clinical testing. Allele origin: germline. Affected: yes.
Comment: Not observed at a significant frequency in large population cohorts (Lek 2016); Has not been previously published as pathogenic or benign to our knowledge

NM_006231.4(POLE):c.991C>T (p.Pro331Ser)

Gene: POLE (DNA polymerase epsilon, catalytic subunit; minus strand). Cytogenetic location: 12q24.33.
Variant type: single nucleotide variant.
Coding change: c.991C>T on transcript NM_006231.4 (MANE Select); coding-DNA position 991, C replaced by T.
Protein change: p.Pro331Ser; replaces proline 331 with serine.
Molecular consequence: missense variant.
Genome position (GRCh38, 1-based): chr12:132,676,123, G>A on the plus strand (C>T on the coding strand, the complement: POLE is on the minus strand). VCF-style: chr12-132676123-G-A. GRCh37 (hg19) VCF-style: chr12-133252709-G-A.
Other names: short protein forms P331S.
Identifiers: ClinVar variation 966933 (VCV000966933.15), dbSNP rs994360398, ClinGen allele CA246298772.